The following is an entry in ClinVar:

NM_002133.3(HMOX1):c.364G>C (p.Gly122Arg)

Gene: HMOX1 (heme oxygenase 1; plus strand). Cytogenetic location: 22q12.3.
Variant type: single nucleotide variant.
Coding change: c.364G>C on transcript NM_002133.3 (MANE Select); coding-DNA position 364, G replaced by C.
Protein change: p.Gly122Arg; replaces glycine 122 with arginine.
Molecular consequence: missense variant.
Genome position (GRCh38, 1-based): chr22:35,386,904, G>C. VCF-style: chr22-35386904-G-C. GRCh37 (hg19) VCF-style: chr22-35782897-G-C.
Other names: short protein forms G122R.
Identifiers: ClinVar variation 2047138 (VCV002047138.1), dbSNP rs1931523424, ClinGen allele CA411352559.

ClinVar aggregate classification (germline): Uncertain significance (1 of 4 stars; one submission).

Allele frequency attached by ClinVar (database versions not stated): TOPMed below 0.00001.

Submission:

Labcorp Genetics (formerly Invitae), Labcorp
Classification: Uncertain significance. Last evaluated: 2021-12-18. Review status: criteria provided, single submitter. Criteria: Invitae Variant Classification Sherloc (09022015). Collection method: clinical testing. Allele origin: germline.
Comment: This sequence change replaces glycine, which is neutral and non-polar, with arginine, which is basic and polar, at codon 122 of the HMOX1 protein (p.Gly122Arg). This variant is not present in population databases (gnomAD no frequency). This variant has not been reported in the literature in individuals affected with HMOX1-related conditions. Algorithms developed to predict the effect of missense changes on protein structure and function are either unavailable or do not agree on the potential impact of this missense change (SIFT: "Deleterious"; PolyPhen-2: "Probably Damaging"; Align-GVGD: "Class C0"). In summary, the available evidence is currently insufficient to determine the role of this variant in disease. Therefore, it has been classified as a Variant of Uncertain Significance.